The following is an entry in ClinVar:

ClinVar aggregate classification (germline): Uncertain significance. Review status: criteria provided, multiple submitters, no conflicts (2 of 4 stars). 2 submissions from 2 submitters: Uncertain significance (2). Last evaluated 2026-07-01.

Allele frequency attached by ClinVar (database versions not stated): gnomAD 0.00006; TOPMed 0.00006; gnomAD exomes 0.00007; ExAC 0.00012; 1000 Genomes Project 30x 0.00016; 1000 Genomes Project 0.00020.

Submissions (2):

CeGaT Center for Human Genetics Tuebingen
Classification: Uncertain significance. Last evaluated: 2026-07-01. Review status: criteria provided, single submitter. Criteria: CeGaT Center For Human Genetics Tuebingen Variant Classification Criteria Version 2. Collection method: clinical testing. Allele origin: germline. Affected: yes. Observed: 1 variant allele.
Comment: DNAH7: PM2

Ambry Genetics
Classification: Uncertain significance. Last evaluated: 2025-11-13. Review status: criteria provided, single submitter. Criteria: Ambry Variant Classification Scheme 2023. Collection method: clinical testing. Allele origin: germline.

NM_018897.3(DNAH7):c.9608A>G (p.Tyr3203Cys)

Gene: DNAH7 (dynein axonemal heavy chain 7; minus strand). Cytogenetic location: 2q32.3.
Variant type: single nucleotide variant.
Coding change: c.9608A>G on transcript NM_018897.3 (MANE Select); coding-DNA position 9608, A replaced by G.
Protein change: p.Tyr3203Cys; replaces tyrosine 3203 with cysteine.
Molecular consequence: missense variant.
Genome position (GRCh38, 1-based): chr2:195,816,781, T>C on the plus strand (A>G on the coding strand, the complement: DNAH7 is on the minus strand). VCF-style: chr2-195816781-T-C. GRCh37 (hg19) VCF-style: chr2-196681505-T-C.
Other names: short protein forms Y3203C.
Identifiers: ClinVar variation 2592559 (VCV002592559.4), dbSNP rs376632669, ClinGen allele CA2034337.